The following is an entry in ClinVar:

NM_025081.3(NYNRIN):c.2024_2025insA (p.Arg676fs)

Gene: NYNRIN (NYN domain and retroviral integrase containing; plus strand). Cytogenetic location: 14q12.
Variant type: Insertion.
Coding change: c.2024_2025insA on transcript NM_025081.3 (MANE Select); coding-DNA positions 2024 to 2025, A inserted.
Protein change: p.Arg676fs; shifts the reading frame from arginine 676.
Molecular consequence: frameshift variant.
Genome position: GRCh38 VCF-style: chr14-24409818-C-CA. GRCh37 (hg19) VCF-style: chr14-24879024-C-CA.
Other names: short protein forms R676fs.
Identifiers: ClinVar variation 4803335 (VCV004803335.1).

ClinVar aggregate classification (germline): Uncertain significance (1 of 4 stars; one submission).

Submission:

Labcorp Genetics (formerly Invitae), Labcorp
Classification: Uncertain significance. Last evaluated: 2025-06-20. Review status: criteria provided, single submitter. Criteria: Invitae Variant Classification Sherloc (09022015). Collection method: clinical testing. Allele origin: germline.
Comment: This sequence change creates a premature translational stop signal (p.Arg676Glnfs*27) in the NYNRIN gene. It is expected to result in an absent or disrupted protein product. However, the current clinical and genetic evidence is not sufficient to establish whether loss-of-function variants in NYNRIN cause disease. This variant is present in population databases (no rsID available, gnomAD 0.007%). This variant has not been reported in the literature in individuals affected with NYNRIN-related conditions. In summary, the available evidence is currently insufficient to determine the role of this variant in disease. Therefore, it has been classified as a Variant of Uncertain Significance.